The following is an entry in ClinVar:

ClinVar aggregate classification (germline): Pathogenic (1 of 4 stars; one submission).

Conditions:
Autism spectrum disorder. Also called: Autism spectrum disorders. Identifiers: MedGen C1510586, MeSH D000067877, MONDO:0005258.

Submission:

Geschwind lab, University of California Los Angeles
Classification: Pathogenic for Autism spectrum disorder. Last evaluated: 2015-10-12. Review status: criteria provided, single submitter. Criteria: ACMG CNV Guidelines 2011. Collection method: research. Allele origin: de novo. Affected: no. Observed: 1 variant allele.

Literature cited by the submitters: PubMed 27569545; PubMed 23044707.

Single allele

Variant type: Duplication.
Identifiers: ClinVar variation 236322 (VCV000236322.1).